The following is an entry in ClinVar:

NM_004082.5(DCTN1):c.3385C>G (p.Leu1129Val)

Gene: DCTN1 (dynactin subunit 1; minus strand). Cytogenetic location: 2p13.1.
Variant type: single nucleotide variant.
Coding change: c.3385C>G on transcript NM_004082.5 (MANE Select); coding-DNA position 3385, C replaced by G.
Protein change: p.Leu1129Val; replaces leucine 1129 with valine.
Molecular consequence: missense variant. On other transcripts: non-coding transcript variant (1).
Genome position (GRCh38, 1-based): chr2:74,363,138, G>C on the plus strand (C>G on the coding strand, the complement: DCTN1 is on the minus strand). VCF-style: chr2-74363138-G-C. GRCh37 (hg19) VCF-style: chr2-74590265-G-C.
Other names: c.3310C>G, p.Leu1104Val (NM_001135040.3); c.2968C>G, p.Leu990Val (NM_001135041.3); c.3259C>G, p.Leu1087Val (NM_001190836.2); c.3364C>G, p.Leu1122Val (NM_001190837.2); c.3334C>G, p.Leu1112Val (NM_001378991.1); c.3316C>G, p.Leu1106Val (NM_001378992.1); c.2983C>G, p.Leu995Val (NM_023019.4); short protein forms L1122V, L990V, L1104V, L1112V, L1129V, L1087V, L1106V, L995V.
Identifiers: ClinVar variation 4791858 (VCV004791858.1).
Genomic context (GRCh38, chr2:74,363,138, plus strand): 5'-ACAGCGCTCCAGCTGGTAACTCACTGCCAGGGCCCTCATGGGATAGCTTTGCAACATGCA[G>C]AGGGGGCAGGGATGCCAAGGATGCCTTCATCTGGGCTCCCTGTGGATGAAAAAAGAAGGA-3'
Protein context (NP_004073.2, residues 1119-1139): MKASLASLPP[Leu1129Val]HVAKLSHEGP

ClinVar aggregate classification (germline): Uncertain significance (1 of 4 stars; one submission).

Conditions:
Amyotrophic lateral sclerosis type 1 (ALS1). Also called: AMYOTROPHIC LATERAL SCLEROSIS 1, FAMILIAL. Identifiers: Orphanet 803, MedGen C1862939, MONDO:0007103, OMIM 105400.
Neuronopathy, distal hereditary motor, type 7B. Also called: HMN VIIB; LOWER MOTOR NEURON DISEASE, DYNACTIN TYPE; NEURONOPATHY, DISTAL HEREDITARY MOTOR, AUTOSOMAL DOMINANT 14; NEURONOPATHY, DISTAL HEREDITARY MOTOR, HARDING TYPE VIIB; NEUROPATHY, DISTAL HEREDITARY MOTOR, HARDING TYPE VIIB; NEUROPATHY, DISTAL HEREDITARY MOTOR, WITH VOCAL CORD PARALYSIS, HARDING TYPE VIIB. Identifiers: Orphanet 139589, MedGen C1843315, MONDO:0011879, OMIM 607641.
Perry syndrome. Also called: PARKINSONISM WITH ALVEOLAR HYPOVENTILATION AND MENTAL DEPRESSION. Identifiers: Orphanet 178509, MedGen C1868594, MONDO:0008201, OMIM 168605.

gnomAD v4.1: 1 of 1,614,180 alleles (0.000062%); highest among the groups gnomAD compares: Non-Finnish European, 0.000085%; no homozygotes.

Submission:

Labcorp Genetics (formerly Invitae), Labcorp
Classification: Uncertain significance for Amyotrophic lateral sclerosis type 1; Neuronopathy, distal hereditary motor, type 7B; Perry syndrome. Last evaluated: 2025-08-20. Review status: criteria provided, single submitter. Criteria: Invitae Variant Classification Sherloc (09022015). Collection method: clinical testing. Allele origin: germline.
Comment: This sequence change replaces leucine, which is neutral and non-polar, with valine, which is neutral and non-polar, at codon 1129 of the DCTN1 protein (p.Leu1129Val). This variant is not present in population databases (gnomAD no frequency). This variant has not been reported in the literature in individuals affected with DCTN1-related conditions. Invitae Evidence Modeling of protein sequence and biophysical properties (such as structural, functional, and spatial information, amino acid conservation, physicochemical variation, residue mobility, and thermodynamic stability) indicates that this missense variant is not expected to disrupt DCTN1 protein function with a negative predictive value of 95%. In summary, the available evidence is currently insufficient to determine the role of this variant in disease. Therefore, it has been classified as a Variant of Uncertain Significance.